The following is an entry in ClinVar:

ClinVar aggregate classification (germline): Uncertain significance (1 of 4 stars; one submission).

Conditions:
RAB23-related disorder. Also called: RAB23-related condition.

gnomAD v4.1: 13 of 1,613,886 alleles (0.00081%); highest among the groups gnomAD compares: African/African-American, 0.0053%; no homozygotes.

Submission:

PreventionGenetics, part of Exact Sciences
Classification: Uncertain significance for RAB23-related condition. Last evaluated: 2025-07-24. Review status: criteria provided, single submitter. Criteria: ACMG Guidelines, 2015. Collection method: clinical testing. Allele origin: germline.
Comment: The RAB23 c.328G>A variant is predicted to result in the amino acid substitution p.Glu110Lys. To our knowledge, this variant has not been reported in the literature. This variant is reported in 0.0040% of alleles in individuals of African descent in gnomAD. At this time, the clinical significance of this variant is uncertain due to the absence of conclusive functional and genetic evidence.

NM_016277.5(RAB23):c.328G>A (p.Glu110Lys)

Gene: RAB23 (RAB23, member RAS oncogene family; minus strand). Cytogenetic location: 6p12.1.
Variant type: single nucleotide variant.
Coding change: c.328G>A on transcript NM_016277.5 (MANE Select); coding-DNA position 328, G replaced by A.
Protein change: p.Glu110Lys; replaces glutamic acid 110 with lysine.
Molecular consequence: missense variant.
Genome position (GRCh38, 1-based): chr6:57,196,520, C>T on the plus strand (G>A on the coding strand, the complement: RAB23 is on the minus strand). VCF-style: chr6-57196520-C-T. GRCh37 (hg19) VCF-style: chr6-57061318-C-T.
Other names: c.328G>A, p.Glu110Lys (NM_001278666.2, NM_001278667.2, NM_001278668.2 and 1 more transcripts); short protein forms E110K.
Identifiers: ClinVar variation 4980363 (VCV004980363.1).